The following is an entry in ClinVar:

ClinVar aggregate classification (germline): Pathogenic. Review status: criteria provided, multiple submitters, no conflicts (2 of 4 stars). 4 submissions from 4 submitters: Pathogenic (4). Last evaluated 2026-09-30.

Conditions:
Polycystic kidney disease, adult type (PKD1). Also called: Polycystic Kidney Disease 1, Autosomal Dominant; Polycystic kidney disease 1; Polycystic kidney disease 1, severe; Polycystic Kidney, Autosomal Dominant; POLYCYSTIC KIDNEY DISEASE, ADULT, TYPE I; POLYCYSTIC KIDNEY DISEASE 1 WITH OR WITHOUT POLYCYSTIC LIVER DISEASE. Identifiers: MedGen C3149841, MONDO:0008263, OMIM 173900.

Submissions (4):

GeneDx
Classification: Pathogenic. Last evaluated: 2026-09-30. Review status: criteria provided, single submitter. Criteria: GeneDx Variant Classification Process June 2021. Collection method: clinical testing. Allele origin: germline.
Comment: Frameshift variant predicted to result in protein truncation or nonsense mediated decay in a gene for which loss of function is a known mechanism of disease; Not observed in large population cohorts (gnomAD); This variant is associated with the following publications: (PMID: 31740684, 33226606, 35368817, 33532864, 19515475, 30333007)

Fulgent Genetics
Classification: Pathogenic for Polycystic kidney disease, adult type. Last evaluated: 2021-07-02. Review status: criteria provided, single submitter. Criteria: ACMG Guidelines, 2015. Collection method: clinical testing. Allele origin: unknown.

Molecular Biology Laboratory, Fundació Puigvert
Classification: Pathogenic for Polycystic kidney disease, adult type. Last evaluated: 2020-02-01. Review status: criteria provided, single submitter. Criteria: ACMG Guidelines, 2015. Collection method: research. Allele origin: germline. Affected: yes. Study: KidneyPanel_2020.

Juno Genomics, Hangzhou Juno Genomics, Inc
Classification: Pathogenic for Polycystic kidney disease, adult type. Review status: criteria provided, single submitter. Criteria: ACMG Guidelines, 2015. Collection method: clinical testing. Allele origin: germline. Affected: yes.
Comment: Null variant in a gene where loss of function (LOF) is a known mechanism of disease.;Absent from controls (or at extremely low frequency if recessive) in Genome Aggregation Database.;The prevalence of the variant in affected individuals is significantly increased compared to the prevalence in controls.;Patient's phenotype or family history is highly specific for a disease with a single genetic etiology.;Co-segregation with disease in multiple affected family members.

Literature cited by the submitters: PubMed 33532864 (cited by Molecular Biology Laboratory, Fundació Puigvert).

NM_001009944.3(PKD1):c.2659del (p.Trp887fs)

Gene: PKD1 (polycystin 1, transient receptor potential channel interacting; minus strand). Cytogenetic location: 16p13.3.
Variant type: Deletion.
Coding change: c.2659del on transcript NM_001009944.3 (MANE Select); coding-DNA position 2659, one base deleted (T; older notation c.2659delT).
Protein change: p.Trp887fs; shifts the reading frame from tryptophan 887.
Molecular consequence: frameshift variant.
Genome position (GRCh38, 1-based): chr16:2,114,364, A deleted on the plus strand (T on the coding strand, the reverse complement: PKD1 is on the minus strand). VCF-style (leftmost placement, unchanged base first): chr16-2114363-CA-C. GRCh37 (hg19) VCF-style: chr16-2164364-CA-C.
Other names: c.2659del, p.Trp887fs (NM_000296.4); c.2659del (NM_001009944.2); short protein forms W887fs.
Identifiers: ClinVar variation 974444 (VCV000974444.8), dbSNP rs2092593850, ClinGen allele CA1139664356.